The following is an entry in ClinVar:

ClinVar aggregate classification (germline): Likely benign. Review status: criteria provided, multiple submitters, no conflicts (2 of 4 stars). 4 submissions from 4 submitters: Likely benign (3). 1 of the submissions does not count toward it. Last evaluated 2025-12-22.

Conditions:
DNAAF5-related disorder. Also called: DNAAF5-related condition.
Primary ciliary dyskinesia. Also called: Ciliary dyskinesia. Identifiers: Orphanet 244, MedGen C0008780, MONDO:0016575, HP:0012265.

Allele frequency attached by ClinVar (database versions not stated): TOPMed 0.00004.
gnomAD v4.1: 51 of 1,613,928 alleles (0.0032%); highest among the groups gnomAD compares: South Asian, 0.013%; no homozygotes.

Submissions (4):

Labcorp Genetics (formerly Invitae), Labcorp
Classification: Likely benign for Primary ciliary dyskinesia. Last evaluated: 2025-12-22. Review status: criteria provided, single submitter. Criteria: Invitae Variant Classification Sherloc (09022015). Collection method: clinical testing. Allele origin: germline.

Blueprint Genetics
Classification: Likely benign. Last evaluated: 2024-10-28. Review status: criteria provided, single submitter. Criteria: ACMG Guidelines, 2015. Collection method: clinical testing. Allele origin: germline.

Ambry Genetics
Classification: Likely benign for Primary ciliary dyskinesia. Last evaluated: 2022-04-04. Review status: criteria provided, single submitter. Criteria: Ambry Variant Classification Scheme 2023. Collection method: clinical testing. Allele origin: germline.

PreventionGenetics, part of Exact Sciences
Classification: Likely benign for DNAAF5-related condition. Last evaluated: 2019-04-16. Review status: no assertion criteria provided. Collection method: clinical testing. Allele origin: germline. Not counted in ClinVar's aggregate classification.
Comment: This variant is classified as likely benign based on ACMG/AMP sequence variant interpretation guidelines (Richards et al. 2015 PMID: 25741868, with internal and published modifications).

NM_017802.4(DNAAF5):c.777G>A (p.Pro259=)

Gene: DNAAF5 (dynein axonemal assembly factor 5; plus strand). Cytogenetic location: 7p22.3.
Variant type: single nucleotide variant.
Coding change: c.777G>A on transcript NM_017802.4 (MANE Select); coding-DNA position 777, G replaced by A.
Protein change: p.Pro259=; no amino-acid change (proline 259 retained).
Molecular consequence: synonymous variant. On other transcripts: non-coding transcript variant (1).
Genome position (GRCh38, 1-based): chr7:729,844, G>A. VCF-style: chr7-729844-G-A. GRCh37 (hg19) VCF-style: chr7-769481-G-A.
Identifiers: ClinVar variation 416083 (VCV000416083.14), dbSNP rs146014916, ClinGen allele CA4110420.